The following is an entry in ClinVar:

ClinVar aggregate classification (germline): Uncertain significance (1 of 4 stars; one submission).

Conditions:
Rhabdoid tumor predisposition syndrome 2 (RTPS2). Identifiers: Orphanet 231108, Orphanet 69077, MedGen C2750074, MONDO:0013224, OMIM 613325.

Allele frequency attached by ClinVar (database versions not stated): gnomAD exomes below 0.00001.
gnomAD v4.1: 1 of 1,613,982 alleles (0.000062%); highest among the groups gnomAD compares: Non-Finnish European, 0.000085%; no homozygotes.

Submission:

Labcorp Genetics (formerly Invitae), Labcorp
Classification: Uncertain significance for Rhabdoid tumor predisposition syndrome 2. Last evaluated: 2022-09-09. Review status: criteria provided, single submitter. Criteria: Invitae Variant Classification Sherloc (09022015). Collection method: clinical testing. Allele origin: germline.
Comment: In summary, the available evidence is currently insufficient to determine the role of this variant in disease. Therefore, it has been classified as a Variant of Uncertain Significance. Advanced modeling of protein sequence and biophysical properties (such as structural, functional, and spatial information, amino acid conservation, physicochemical variation, residue mobility, and thermodynamic stability) performed at Invitae indicates that this missense variant is expected to disrupt SMARCA4 protein function. ClinVar contains an entry for this variant (Variation ID: 1425735). This variant has not been reported in the literature in individuals affected with SMARCA4-related conditions. This variant is not present in population databases (gnomAD no frequency). This sequence change replaces serine, which is neutral and polar, with glycine, which is neutral and non-polar, at codon 1674 of the SMARCA4 protein (p.Ser1674Gly).

NM_003072.5(SMARCA4):c.4924A>G (p.Ser1642Gly)

Gene: SMARCA4 (SWI/SNF related BAF chromatin remodeling complex subunit ATPase 4; plus strand). Cytogenetic location: 19p13.2.
Variant type: single nucleotide variant.
Coding change: c.4924A>G on transcript NM_003072.5 (MANE Select); coding-DNA position 4924, A replaced by G.
Protein change: p.Ser1642Gly; replaces serine 1642 with glycine.
Molecular consequence: missense variant. On other transcripts: non-coding transcript variant (1).
Genome position (GRCh38, 1-based): chr19:11,061,796, A>G. VCF-style: chr19-11061796-A-G. GRCh37 (hg19) VCF-style: chr19-11172472-A-G.
Other names: c.4924A>G, p.Ser1642Gly (NM_001128844.3); c.4834A>G, p.Ser1612Gly (NM_001128845.2); c.4831A>G, p.Ser1611Gly (NM_001128846.2); c.4825A>G, p.Ser1609Gly (NM_001128847.4, NM_001374457.1); c.4822A>G, p.Ser1608Gly (NM_001128848.2); c.5020A>G, p.Ser1674Gly (NM_001128849.3, NM_001387283.1); short protein forms S1609G, S1642G, S1612G, S1674G, S1608G, S1611G.
Identifiers: ClinVar variation 1425735 (VCV001425735.8), dbSNP rs2147158155, ClinGen allele CA404081872.
Genomic context (GRCh38, chr19:11,061,796, plus strand): 5'-CTGGCAGGGGTGGCCAACGCACACTCTCTCCTCCTGTCCCCTCTCCAGGACCGCTCAGGA[A>G]GTGGCAGCGAAGAAGACTGAGCCCCGACATTCCAGTCTCGACCCCGAGCCCCTCGTTCCA-3'
Protein context (NP_003063.2, residues 1632-1647): EEEQEEDRSG[Ser1642Gly]GSEED